The following is an entry in ClinVar:

ClinVar aggregate classification (germline): Pathogenic (1 of 4 stars; one submission).

Conditions:
Hereditary cancer-predisposing syndrome. Also called: Neoplastic Syndromes, Hereditary; Tumor predisposition; Hereditary Cancer Syndrome; Hereditary neoplastic syndrome. Identifiers: Orphanet 140162, MedGen C0027672, MeSH D009386, MONDO:0015356.

Submission:

Ambry Genetics
Classification: Pathogenic for Hereditary cancer-predisposing syndrome. Last evaluated: 2026-04-29. Review status: criteria provided, single submitter. Criteria: Ambry Variant Classification Scheme 2023. Collection method: clinical testing. Allele origin: germline.
Comment: The c.7911delC pathogenic mutation, located in coding exon 16 of the BRCA2 gene, results from a deletion of one nucleotide at nucleotide position 7911, causing a translational frameshift with a predicted alternate stop codon (p.P2639Lfs*9). This variant is considered to be rare based on population cohorts in the Genome Aggregation Database (gnomAD). This alteration is expected to result in loss of function by premature protein truncation or nonsense-mediated mRNA decay. As such, this alteration is interpreted as a disease-causing mutation.

NM_000059.4(BRCA2):c.7911del (p.Pro2639fs)

Gene: BRCA2 (BRCA2 DNA repair associated; plus strand). Cytogenetic location: 13q13.1.
Variant type: Deletion.
Coding change: c.7911del on transcript NM_000059.4 (MANE Select); coding-DNA position 7911, one base deleted (C; older notation c.7911delC).
Protein change: p.Pro2639fs; shifts the reading frame from proline 2639.
Molecular consequence: frameshift variant. On other transcripts: non-coding transcript variant (1).
Genome position (GRCh38, 1-based): chr13:32,362,628, C deleted; the last of 2 consecutive C bases (chr13:32,362,627-32,362,628); deleting either gives the same sequence. VCF-style (leftmost placement, unchanged base first): chr13-32362626-GC-G. GRCh37 (hg19) VCF-style: chr13-32936763-GC-G.
Other names: c.1494del, p.Pro500fs (NM_001406722.1); c.7911del, p.Pro2639fs (NM_001432077.1, NM_001406720.1); c.7815del, p.Pro2607fs (NM_001406719.1); c.2979del, p.Pro995fs (NM_001406721.1); short protein forms P2607fs, P2639fs, P500fs, P995fs.
Identifiers: ClinVar variation 4867844 (VCV004867844.1).